The following is an entry in ClinVar:

ClinVar aggregate classification (germline): Conflicting classifications of pathogenicity. Review status: criteria provided, conflicting classifications (1 of 4 stars). 3 submissions from 3 submitters: Uncertain significance (2); Likely benign (1). Last evaluated 2025-10-23.

Conditions:
Hereditary cancer-predisposing syndrome. Also called: Hereditary Cancer Syndrome; Hereditary neoplastic syndrome; Tumor predisposition; Neoplastic Syndromes, Hereditary. Identifiers: Orphanet 140162, MedGen C0027672, MeSH D009386, MONDO:0015356.

Allele frequency attached by ClinVar (database versions not stated): gnomAD exomes below 0.00001; gnomAD 0.00001.
gnomAD v4.1: 3 of 1,612,846 alleles (0.00019%); highest among the groups gnomAD compares: East Asian, 0.0022%; no homozygotes.

Submissions (3):

Labcorp Genetics (formerly Invitae), Labcorp
Classification: Uncertain significance. Last evaluated: 2025-10-23. Review status: criteria provided, single submitter. Criteria: Invitae Variant Classification Sherloc (09022015). Collection method: clinical testing. Allele origin: germline.
Comment: This sequence change replaces alanine, which is neutral and non-polar, with threonine, which is neutral and polar, at codon 12 of the HOXB13 protein (p.Ala12Thr). This variant is not present in population databases (gnomAD no frequency). This variant has not been reported in the literature in individuals affected with HOXB13-related conditions. ClinVar contains an entry for this variant (Variation ID: 842880). An algorithm developed to predict the effect of missense changes on protein structure and function (PolyPhen-2) suggests that this variant is likely to be tolerated. In summary, the available evidence is currently insufficient to determine the role of this variant in disease. Therefore, it has been classified as a Variant of Uncertain Significance.

Ambry Genetics
Classification: Likely benign for Hereditary cancer-predisposing syndrome. Last evaluated: 2024-12-12. Review status: criteria provided, single submitter. Criteria: Ambry Variant Classification Scheme 2023. Collection method: clinical testing. Allele origin: germline.

GeneDx
Classification: Uncertain significance. Last evaluated: 2021-11-22. Review status: criteria provided, single submitter. Criteria: GeneDx Variant Classification Process June 2021. Collection method: clinical testing. Allele origin: germline. Affected: yes.
Comment: Not observed at significant frequency in large population cohorts (Lek et al., 2016); In silico analysis supports that this missense variant does not alter protein structure/function; Has not been previously published as pathogenic or benign to our knowledge

NM_006361.6(HOXB13):c.34G>A (p.Ala12Thr)

Gene: HOXB13 (homeobox B13; minus strand). Cytogenetic location: 17q21.32.
Variant type: single nucleotide variant.
Coding change: c.34G>A on transcript NM_006361.6 (MANE Select); coding-DNA position 34, G replaced by A.
Protein change: p.Ala12Thr; replaces alanine 12 with threonine.
Molecular consequence: missense variant.
Genome position (GRCh38, 1-based): chr17:48,728,560, C>T on the plus strand (G>A on the coding strand, the complement: HOXB13 is on the minus strand). VCF-style: chr17-48728560-C-T. GRCh37 (hg19) VCF-style: chr17-46805922-C-T.
Other names: short protein forms A12T.
Identifiers: ClinVar variation 842880 (VCV000842880.13), dbSNP rs1567701707, ClinGen allele CA400109854.